The following is an entry in ClinVar:

ClinVar aggregate classification (germline): Pathogenic (1 of 4 stars; one submission).

Conditions:
Hereditary nonpolyposis colorectal neoplasms. Identifiers: MedGen C0009405, MeSH D003123.

Submission:

Labcorp Genetics (formerly Invitae), Labcorp
Classification: Pathogenic for Hereditary nonpolyposis colon cancer. Last evaluated: 2019-10-02. Review status: criteria provided, single submitter. Criteria: Invitae Variant Classification Sherloc (09022015). Collection method: clinical testing. Allele origin: germline.
Comment: This variant is a gross deletion of the genomic region encompassing exon 1 of the MSH6 gene, which includes the initiator codon. The 5' end of this event is unknown as it extends beyond the assayed region for this gene and therefore may encompass additional genes. The 3' boundary is likely confined to intron 1 of the MSH6 gene. This is expected to result in an absent or disrupted protein product. A deletion of exon 1 has not been reported in the literature in individuals with MSH6-related disease. Loss-of-function variants in MSH6 are known to be pathogenic (PMID: 18269114, 24362816). For these reasons, this variant has been classified as Pathogenic.

NC_000002.12:g.(?_47783234)_(47783503_?)del

Gene: MSH6 (mutS homolog 6; plus strand). Cytogenetic location: 2p16.3.
Variant type: Deletion.
Identifiers: ClinVar variation 832583 (VCV000832583.1).